The following is an entry in ClinVar:

NM_016519.6(AMBN):c.571-1G>C

Gene: AMBN (ameloblastin; plus strand). Cytogenetic location: 4q13.3.
Variant type: single nucleotide variant.
Coding change: c.571-1G>C on transcript NM_016519.6 (MANE Select); the canonical splice acceptor site of the intron before coding-DNA position 571, G replaced by C.
Molecular consequence: splice acceptor variant.
Genome position (GRCh38, 1-based): chr4:70,602,797, G>C. VCF-style: chr4-70602797-G-C. GRCh37 (hg19) VCF-style: chr4-71468514-G-C.
Identifiers: ClinVar variation 2444856 (VCV002444856.31), dbSNP rs752057018, ClinGen allele CA2951413.

ClinVar aggregate classification (germline): Conflicting classifications of pathogenicity. Review status: criteria provided, conflicting classifications (1 of 4 stars). 4 submissions from 4 submitters: Likely pathogenic (1); Uncertain significance (2). 1 of the submissions does not count toward it. Last evaluated 2025-12-29.

Conditions:
Amelogenesis imperfecta type 1F (AI1F). Also called: AMELOGENESIS IMPERFECTA, HYPOPLASTIC TYPE IF; Amelogenesis imperfecta, type IF. Identifiers: Orphanet 88661, MedGen C4225394, MONDO:0014560, OMIM 616270.

Allele frequency attached by ClinVar (database versions not stated): TOPMed 0.00005; ExAC 0.00006; gnomAD 0.00006; gnomAD exomes 0.00010.
gnomAD v4.1: 148 of 1,583,838 alleles (0.0093%); highest among the groups gnomAD compares: Non-Finnish European, 0.012%; no homozygotes.

Submissions (4):

Center for Genomic Medicine, Rigshospitalet, Copenhagen University Hospital
Classification: Likely pathogenic. Last evaluated: 2025-12-29. Review status: criteria provided, single submitter. Criteria: ACMG Guidelines, 2015. Collection method: clinical testing. Allele origin: germline.

GeneDx
Classification: Uncertain significance. Last evaluated: 2024-04-07. Review status: criteria provided, single submitter. Criteria: GeneDx Variant Classification Process June 2021. Collection method: clinical testing. Allele origin: germline. Affected: yes.
Comment: Canonical splice site variant in a gene for which loss-of-function is not an established mechanism of disease; This variant is associated with the following publications: (PMID: 37228816, 38058155)

Reference Center For Rare Oral And Dental Diseases, CRMR O-Rares, Hôpitaux Universitaires De Strasbourg
Classification: Uncertain significance for Amelogenesis imperfecta type 1F. Last evaluated: 2023-03-01. Review status: criteria provided, single submitter. Criteria: ACMG Guidelines, 2015. Collection method: clinical testing. Allele origin: unknown. Affected: yes.

Leeds Amelogenesis Imperfecta Research Group, University of Leeds
Classification: Likely pathogenic for Amelogenesis imperfecta type 1F. Last evaluated: 2023-05-04. Review status: no assertion criteria provided. Collection method: research. Allele origin: unknown. Affected: yes. Observed: 1 variant allele. Not counted in ClinVar's aggregate classification.

Literature cited by the submitters: PubMed 26502894 (cited by Center for Genomic Medicine, Rigshospitalet, Copenhagen University Hospital).